The following is an entry in ClinVar:

NM_001286611.2(REPS1):c.764C>T (p.Thr255Ile)

Gene: REPS1 (RALBP1 associated Eps domain containing 1; minus strand). Cytogenetic location: 6q24.1.
Variant type: single nucleotide variant.
Coding change: c.764C>T on transcript NM_001286611.2 (MANE Select); coding-DNA position 764, C replaced by T.
Protein change: p.Thr255Ile; replaces threonine 255 with isoleucine.
Molecular consequence: missense variant.
Genome position (GRCh38, 1-based): chr6:138,944,005, G>A on the plus strand (C>T on the coding strand, the complement: REPS1 is on the minus strand). VCF-style: chr6-138944005-G-A. GRCh37 (hg19) VCF-style: chr6-139265142-G-A.
Other names: c.764C>T, p.Thr255Ile (NM_001128617.3, NM_001286612.2, NM_031922.5); short protein forms T255I.
Identifiers: ClinVar variation 3716252 (VCV003716252.2).
Genomic context (GRCh38, chr6:138,944,005, plus strand): 5'-TAACTACTGGATTGCCTACGAATTTCAATGGCAGTTGTAGCTGATGCTACAGTTCGTACT[G>A]TTGTCTGGTCCTGTAATGAAACATTTTTTCCTCAGTACAATATCTACCTACATGATTATA-3'
Protein context (NP_001273540.1, residues 245-265): MHPASVQDQT[Thr255Ile]VRTVASATTA

ClinVar aggregate classification (germline): Uncertain significance (1 of 4 stars; one submission).

gnomAD v4.1: 2 of 1,613,756 alleles (0.00012%); highest among the groups gnomAD compares: African/African-American, 0.0013%; no homozygotes.

Submission:

Labcorp Genetics (formerly Invitae), Labcorp
Classification: Uncertain significance. Last evaluated: 2024-04-16. Review status: criteria provided, single submitter. Criteria: Invitae Variant Classification Sherloc (09022015). Collection method: clinical testing. Allele origin: germline.
Comment: This sequence change replaces threonine, which is neutral and polar, with isoleucine, which is neutral and non-polar, at codon 255 of the REPS1 protein (p.Thr255Ile). This variant is not present in population databases (gnomAD no frequency). This variant has not been reported in the literature in individuals affected with REPS1-related conditions. Advanced modeling of protein sequence and biophysical properties (such as structural, functional, and spatial information, amino acid conservation, physicochemical variation, residue mobility, and thermodynamic stability) has been performed at Invitae for this missense variant, however the output from this modeling did not meet the statistical confidence thresholds required to predict the impact of this variant on REPS1 protein function. In summary, the available evidence is currently insufficient to determine the role of this variant in disease. Therefore, it has been classified as a Variant of Uncertain Significance.